The following is an entry in ClinVar:

NM_033026.6(PCLO):c.12437C>T (p.Ser4146Phe)

Gene: PCLO (piccolo presynaptic cytomatrix protein; minus strand). Cytogenetic location: 7q21.11.
Variant type: single nucleotide variant.
Coding change: c.12437C>T on transcript NM_033026.6 (MANE Select); coding-DNA position 12437, C replaced by T.
Protein change: p.Ser4146Phe; replaces serine 4146 with phenylalanine.
Molecular consequence: missense variant.
Genome position (GRCh38, 1-based): chr7:82,915,549, G>A on the plus strand (C>T on the coding strand, the complement: PCLO is on the minus strand). VCF-style: chr7-82915549-G-A. GRCh37 (hg19) VCF-style: chr7-82544865-G-A.
Other names: c.12437C>T, p.Ser4146Phe (NM_014510.3); short protein forms S4146F.
Identifiers: ClinVar variation 3625959 (VCV003625959.2).
Genomic context (GRCh38, chr7:82,915,549, plus strand): 5'-ATGCTATACTTCTCAGATTTTGGAAAATGTCTGTAGCTAGTATCAGCATGGTAATAATGA[G>A]AAAGACCAGCAAGGTGATCTAAGCTCTCTGTCCCTCTACGAAATTCCTGTTTAATCTGAT-3'
Protein context (NP_149015.2, residues 4136-4156): TESLDHLAGL[Ser4146Phe]HYYHADTSYR

ClinVar aggregate classification (germline): Uncertain significance (1 of 4 stars; one submission).

gnomAD v4.1: 33 of 1,613,530 alleles (0.002%); highest among the groups gnomAD compares: South Asian, 0.034%; 1 homozygote.

Submission:

Labcorp Genetics (formerly Invitae), Labcorp
Classification: Uncertain significance. Last evaluated: 2025-04-14. Review status: criteria provided, single submitter. Criteria: Invitae Variant Classification Sherloc (09022015). Collection method: clinical testing. Allele origin: germline.
Comment: This sequence change replaces serine, which is neutral and polar, with phenylalanine, which is neutral and non-polar, at codon 4146 of the PCLO protein (p.Ser4146Phe). This variant is present in population databases (rs747518939, gnomAD 0.06%). This variant has not been reported in the literature in individuals affected with PCLO-related conditions. ClinVar contains an entry for this variant (Variation ID: 3625959). Experimental studies and prediction algorithms are not available or were not evaluated, and the functional significance of this variant is currently unknown. In summary, the available evidence is currently insufficient to determine the role of this variant in disease. Therefore, it has been classified as a Variant of Uncertain Significance.